The following is an entry in ClinVar:

NM_020041.3(SLC2A9):c.1600G>A (p.Gly534Ser)

Gene: SLC2A9 (solute carrier family 2 member 9; minus strand). Cytogenetic location: 4p16.1.
Variant type: single nucleotide variant.
Coding change: c.1600G>A on transcript NM_020041.3 (MANE Select); coding-DNA position 1600, G replaced by A.
Protein change: p.Gly534Ser; replaces glycine 534 with serine.
Molecular consequence: missense variant.
Genome position (GRCh38, 1-based): chr4:9,826,420, C>T on the plus strand (G>A on the coding strand, the complement: SLC2A9 is on the minus strand). VCF-style: chr4-9826420-C-T. GRCh37 (hg19) VCF-style: chr4-9828044-C-T.
Other names: c.1513G>A, p.Gly505Ser (NM_001001290.2); short protein forms G505S, G534S.
Identifiers: ClinVar variation 4852349 (VCV004852349.1).
Genomic context (GRCh38, chr4:9,826,420, plus strand): 5'-TTTTGACATAATTGTCCAACGTGGAGGAGGAAACTTGTTAAGGCCTTCCATTTATCTTAC[C>T]ATCAGTGACAGCTGAGTCGATTTTCTCTTCTGGTGGGTATGCTTTGTTCCTTTTGGAAAA-3'
Protein context (NP_064425.2, residues 524-540): EEKIDSAVTD[Gly534Ser]KINGRP

ClinVar aggregate classification (germline): Uncertain significance (1 of 4 stars; one submission).

Conditions:
Hypouricemia, renal, 2. Also called: HYPOURICEMIA, RENAL, 2, AUTOSOMAL DOMINANT; HYPOURICEMIA, RENAL, 2, AUTOSOMAL RECESSIVE. Identifiers: MedGen C2677549, MONDO:0012793, OMIM 612076.

gnomAD v4.1: 3 of 1,613,842 alleles (0.00019%); highest among the groups gnomAD compares: Admixed American, 0.0017%; no homozygotes.

Submission:

MVZ Medizinische Genetik Mainz
Classification: Uncertain significance for Hypouricemia, renal, 2. Last evaluated: 2026-05-13. Review status: criteria provided, single submitter. Criteria: UK Practice Guidelines For Variant Classification V4 01 2020. Collection method: clinical testing. Allele origin: germline. Inheritance: Autosomal recessive inheritance. Affected: yes. Observed: 1 variant allele.
Comment: ACMG Criteria: PM2_SUP,PP4,BP4_MOD